The following is an entry in ClinVar:

NM_000245.4(MET):c.1972G>A (p.Val658Ile)

Gene: MET (MET proto-oncogene, receptor tyrosine kinase; plus strand). Cytogenetic location: 7q31.2.
Variant type: single nucleotide variant.
Coding change: c.1972G>A on transcript NM_000245.4 (MANE Select); coding-DNA position 1972, G replaced by A.
Protein change: p.Val658Ile; replaces valine 658 with isoleucine.
Molecular consequence: missense variant.
Genome position (GRCh38, 1-based): chr7:116,757,644, G>A. VCF-style: chr7-116757644-G-A. GRCh37 (hg19) VCF-style: chr7-116397698-G-A.
Other names: c.1972G>A (NM_001127500.2); c.1972G>A, p.Val658Ile (NM_001127500.3, NM_001324401.3); c.682G>A, p.Val228Ile (NM_001324402.2); short protein forms V658I, V228I.
Identifiers: ClinVar variation 134655 (VCV000134655.22), dbSNP rs587778446, ClinGen allele CA160456.

ClinVar aggregate classification (germline): Conflicting classifications of pathogenicity. Review status: criteria provided, conflicting classifications (1 of 4 stars). 8 submissions from 8 submitters: Uncertain significance (4); Likely benign (3). 1 of the submissions does not count toward it. Last evaluated 2026-03-09.

Conditions:
MET-related disorder. Also called: MET-related condition.
Renal cell carcinoma. Identifiers: Orphanet 217071, MedGen C0007134, MeSH D002292, MONDO:0005086, HP:0005584.
Hereditary cancer-predisposing syndrome. Also called: Neoplastic Syndromes, Hereditary; Tumor predisposition; Hereditary Cancer Syndrome; Hereditary neoplastic syndrome. Identifiers: Orphanet 140162, MedGen C0027672, MeSH D009386, MONDO:0015356.
Papillary renal cell carcinoma type 1 (RCCP1). Also called: RENAL CELL CARCINOMA, PAPILLARY, 1, SOMATIC; Renal adenocarcinoma; Renal cell carcinoma 1; Renal cell carcinoma, somatic. Identifiers: Orphanet 47044, MedGen C1336839, OMIM 605074, HP:0011797.

Allele frequency attached by ClinVar (database versions not stated): ExAC 0.00002; gnomAD exomes 0.00002 and 0.00004; TOPMed 0.00002; gnomAD 0.00003.
gnomAD v4.1: 73 of 1,613,816 alleles (0.0045%); highest among the groups gnomAD compares: Non-Finnish European, 0.0054%; no homozygotes.

Submissions (8):

PreventionGenetics, part of Exact Sciences
Classification: Uncertain significance for MET-related condition. Last evaluated: 2026-03-09. Review status: criteria provided, single submitter. Criteria: ACMG Guidelines, 2015. Collection method: clinical testing. Allele origin: germline.
Comment: The MET c.1972G>A variant is predicted to result in the amino acid substitution p.Val658Ile. To our knowledge, this variant has not been reported in the literature. This variant is reported in 0.0062% of alleles in individuals of European (Non-Finnish) descent in gnomAD and has conflicting interpretations in ClinVar, ranging from uncertain to likely benign (Variation ID: 134655). Although we suspect that this variant may be benign, at this time, the clinical significance of this variant is uncertain due to the absence of conclusive functional and genetic evidence.

Labcorp Genetics (formerly Invitae), Labcorp
Classification: Uncertain significance for Renal cell carcinoma. Last evaluated: 2026-01-19. Review status: criteria provided, single submitter. Criteria: Invitae Variant Classification Sherloc (09022015). Collection method: clinical testing. Allele origin: germline.
Comment: This sequence change replaces valine, which is neutral and non-polar, with isoleucine, which is neutral and non-polar, at codon 658 of the MET protein (p.Val658Ile). This variant is present in population databases (rs587778446, gnomAD 0.006%). This variant has not been reported in the literature in individuals affected with MET-related conditions. ClinVar contains an entry for this variant (Variation ID: 134655). Invitae Evidence Modeling of protein sequence and biophysical properties (such as structural, functional, and spatial information, amino acid conservation, physicochemical variation, residue mobility, and thermodynamic stability) indicates that this missense variant is not expected to disrupt MET protein function with a negative predictive value of 80%. In summary, the available evidence is currently insufficient to determine the role of this variant in disease. Therefore, it has been classified as a Variant of Uncertain Significance.

GeneDx
Classification: Uncertain significance. Last evaluated: 2024-10-16. Review status: criteria provided, single submitter. Criteria: GeneDx Variant Classification Process June 2021. Collection method: clinical testing. Allele origin: germline. Affected: yes.
Comment: Identified in healthy individuals undergoing whole genome sequencing (PMID: 24728327); In silico analysis supports that this missense variant does not alter protein structure/function; This variant is associated with the following publications: (PMID: 24728327)

Quest Diagnostics Nichols Institute San Juan Capistrano
Classification: Uncertain significance. Last evaluated: 2023-11-20. Review status: criteria provided, single submitter. Criteria: Quest Diagnostics criteria. Collection method: clinical testing. Allele origin: unknown.

Blueprint Genetics
Classification: Likely benign. Last evaluated: 2022-12-09. Review status: criteria provided, single submitter. Criteria: ACMG Guidelines, 2015. Collection method: clinical testing. Allele origin: germline.

Ambry Genetics
Classification: Likely benign for Hereditary cancer-predisposing syndrome. Last evaluated: 2019-01-16. Review status: criteria provided, single submitter. Criteria: Ambry Variant Classification Scheme 2023. Collection method: clinical testing. Allele origin: germline.

Illumina Laboratory Services, Illumina
Classification: Likely benign for Papillary renal cell carcinoma type 1. Last evaluated: 2018-01-12. Review status: criteria provided, single submitter. Criteria: ICSL Variant Classification Criteria 13 December 2019. Collection method: clinical testing. Allele origin: germline.
Comment: This variant was observed in the ICSL laboratory as part of a predisposition screen in an ostensibly healthy population. It had not been previously curated by ICSL or reported in the Human Gene Mutation Database (HGMD: prior to June 1st, 2018), and was therefore a candidate for classification through an automated scoring system. Utilizing variant allele frequency, disease prevalence and penetrance estimates, and inheritance mode, an automated score was calculated to assess if this variant is too frequent to cause the disease. Based on the score and internal cut-off values, a variant classified as likely benign is not then subjected to further curation. The score for this variant resulted in a classification of likely benign for this disease.

ITMI
No classification provided. Condition: AllHighlyPenetrant. Last evaluated: 2013-09-19. Review status: no classification provided. Collection method: reference population. Allele origin: germline. Not counted in ClinVar's aggregate classification.
Comment: Please see associated publication for description of ethnicities

Literature cited by the submitters: PubMed 24728327 (cited by Quest Diagnostics Nichols Institute San Juan Capistrano and ITMI).